The following is an entry in ClinVar:

ClinVar aggregate classification (germline): Uncertain significance. Review status: criteria provided, multiple submitters, no conflicts (2 of 4 stars). 2 submissions from 2 submitters: Uncertain significance (2). Last evaluated 2023-02-03.

Conditions:
Hereditary cancer-predisposing syndrome. Also called: Hereditary Cancer Syndrome; Tumor predisposition; Hereditary neoplastic syndrome; Neoplastic Syndromes, Hereditary. Identifiers: Orphanet 140162, MedGen C0027672, MeSH D009386, MONDO:0015356.
Retinoblastoma (RB1). Also called: RETINOBLASTOMA, SOMATIC. Identifiers: Orphanet 790, MedGen C0035335, MeSH D012175, MONDO:0008380, OMIM 180200, HP:0009919. Disease mechanism: loss of function. Inheritance: Both sporadic and heritable forms are tested..

Submissions (2):

Ambry Genetics
Classification: Uncertain significance for Hereditary cancer-predisposing syndrome. Last evaluated: 2023-02-03. Review status: criteria provided, single submitter. Criteria: Ambry Variant Classification Scheme 2023. Collection method: clinical testing. Allele origin: germline.
Comment: The c.2520G>T variant (also known as p.G840G), located in coding exon 24 of the RB1 gene, results from a G to T substitution at nucleotide position 2520. This nucleotide substitution does not change the at codon 840. However, this change occurs in the last base pair of coding exon 24, which makes it likely to have some effect on normal mRNA splicing. This nucleotide position is highly conserved in available vertebrate species. In silico splice site analysis predicts that this alteration will weaken the native splice donor site; however, direct evidence is insufficient at this time (Ambry internal data). Since supporting evidence is limited at this time, the clinical significance of this alteration remains unclear.

Labcorp Genetics (formerly Invitae), Labcorp
Classification: Uncertain significance for Retinoblastoma. Last evaluated: 2020-04-29. Review status: criteria provided, single submitter. Criteria: Invitae Variant Classification Sherloc (09022015). Collection method: clinical testing. Allele origin: germline.
Comment: This sequence change affects codon 840 of the RB1 mRNA. It is a 'silent' change, meaning that it does not change the encoded amino acid sequence of the RB1 protein. This variant also falls at the last nucleotide of exon 24 of the RB1 coding sequence, which is part of the consensus splice site for this exon. In summary, the available evidence is currently insufficient to determine the role of this variant in disease. Therefore, it has been classified as a Variant of Uncertain Significance. Nucleotide substitutions within the consensus splice site are a relatively common cause of aberrant splicing (PMID: 17576681, 9536098). Algorithms developed to predict the effect of sequence changes on RNA splicing suggest that this variant may disrupt the consensus splice site, but this prediction has not been confirmed by published transcriptional studies. This variant has not been reported in the literature in individuals with RB1-related conditions. This variant is not present in population databases (ExAC no frequency).

Literature cited by the submitters: PubMed 17576681 (cited by Labcorp Genetics (formerly Invitae), Labcorp); PubMed 9536098 (cited by Labcorp Genetics (formerly Invitae), Labcorp).

NM_000321.3(RB1):c.2520G>T (p.Gly840=)

Gene: RB1 (RB transcriptional corepressor 1; plus strand). Cytogenetic location: 13q14.2.
Variant type: single nucleotide variant.
Coding change: c.2520G>T on transcript NM_000321.3 (MANE Select); coding-DNA position 2520, G replaced by T.
Protein change: p.Gly840=; no amino-acid change (glycine 840 retained).
Molecular consequence: synonymous variant.
Genome position (GRCh38, 1-based): chr13:48,473,390, G>T. VCF-style: chr13-48473390-G-T. GRCh37 (hg19) VCF-style: chr13-49047526-G-T.
Identifiers: ClinVar variation 1045725 (VCV001045725.9), dbSNP rs1949484533, ClinGen allele CA483559332.